The following is an entry in ClinVar:

NM_017636.4(TRPM4):c.2987_3014del (p.Glu996fs)

Gene: TRPM4 (transient receptor potential cation channel subfamily M member 4; plus strand). Cytogenetic location: 19q13.33.
Variant type: Deletion.
Coding change: c.2987_3014del on transcript NM_017636.4 (MANE Select); coding-DNA positions 2987 to 3014, 28 bases deleted (AGCCCGGCTTCTGGGCACACCCTCCTGG).
Protein change: p.Glu996fs; shifts the reading frame from glutamic acid 996.
Molecular consequence: frameshift variant.
Genome position (GRCh38, 1-based): chr19:49,201,997-49,202,024, AGCCCGGCTTCTGGGCACACCCTCCTGG deleted; deleting any 28 consecutive bases within chr19:49,201,995-49,202,024 gives the same sequence; the c. name uses the placement nearest the transcript's 3' end. VCF-style (leftmost placement, unchanged base first): chr19-49201994-CGGAGCCCGGCTTCTGGGCACACCCTCCT-C. GRCh37 (hg19) VCF-style: chr19-49705251-CGGAGCCCGGCTTCTGGGCACACCCTCCT-C.
Other names: c.2552_2579del, p.Glu851fs (NM_001195227.2); c.2642_2669del, p.Glu881fs (NM_001321281.2); c.1379_1406del, p.Glu460fs (NM_001321282.2); c.2465_2492del, p.Glu822fs (NM_001321283.2); c.1925_1952del, p.Glu642fs (NM_001321285.2); c.2987_3014del (NM_017636.3); short protein forms E822fs, E851fs, E881fs, E460fs, E642fs, E996fs.
Identifiers: ClinVar variation 225503 (VCV000225503.13), dbSNP rs765535147, ClinGen allele CA9569735.

ClinVar aggregate classification (germline): Conflicting classifications of pathogenicity. Review status: criteria provided, conflicting classifications (1 of 4 stars). 4 submissions from 4 submitters: Uncertain significance (2); Likely benign (2). Last evaluated 2025-12-31.

Conditions:
Progressive familial heart block type IB (PFHB1B). Identifiers: Orphanet 871, MedGen C1970298, MONDO:0011474, OMIM 604559.
Cardiovascular phenotype. Identifiers: MedGen CN230736.

Submissions (4):

Labcorp Genetics (formerly Invitae), Labcorp
Classification: Likely benign for Progressive familial heart block type IB. Last evaluated: 2025-12-31. Review status: criteria provided, single submitter. Criteria: Invitae Variant Classification Sherloc (09022015). Collection method: clinical testing. Allele origin: germline.

GeneDx
Classification: Uncertain significance. Last evaluated: 2023-02-01. Review status: criteria provided, single submitter. Criteria: GeneDx Variant Classification Process June 2021. Collection method: clinical testing. Allele origin: germline. Affected: yes.
Comment: Reported in an individual with DCM and sick sinus syndrome and in an individual with atrioventricular nodal reentry tachycardia; described as c.2985_3012del in both cases (Li et al., 2020; Luo et al., 2020); Frameshift variant predicted to result in protein truncation or nonsense mediated decay in a gene or region of a gene for which loss of function is not a well-established mechanism of disease; This variant is associated with the following publications: (PMID: 32508047, 31521807)

Ambry Genetics
Classification: Likely benign for Cardiovascular phenotype. Last evaluated: 2019-09-26. Review status: criteria provided, single submitter. Criteria: Ambry Variant Classification Scheme 2023. Collection method: clinical testing. Allele origin: germline.

Soonchunhyang University Bucheon Hospital, Soonchunhyang University Medical Center
Classification: Uncertain significance for Progressive familial heart block type IB. Last evaluated: 2016-03-18. Review status: criteria provided, single submitter. Criteria: ACMG Guidelines, 2015. Collection method: reference population. Allele origin: germline. Observed: 1 variant allele.

Literature cited by the submitters: PubMed 19726882 (cited by Soonchunhyang University Bucheon Hospital, Soonchunhyang University Medical Center).